The following is an entry in ClinVar:

Conditions:
Breast-ovarian cancer, familial, susceptibility to, 1 (BROVCA1). Also called: BRCA1 Hereditary Breast and Ovarian Cancer; OVARIAN CANCER, SUSCEPTIBILITY TO. Identifiers: Orphanet 145, MedGen C2676676, MONDO:0011450, OMIM 604370. Disease mechanism: loss of function.

Submission:

Brotman Baty Institute, University of Washington
No classification provided (evidence only). Condition: Breast-ovarian cancer, familial 1. Review status: no classification provided. Collection method: in vitro. Allele origin: not applicable. Functional consequence: functionally_normal.
ClinVar note: "not provided" was previously submitted as the classification for the variant. However, the classification appeared to be based only on an observation of functional data so it was converted to no classification on 2025-07-30.

NM_007294.4(BRCA1):c.5380G>C (p.Glu1794Gln)

Gene: BRCA1 (BRCA1 DNA repair associated; minus strand). Cytogenetic location: 17q21.31.
Variant type: single nucleotide variant.
Coding change: c.5380G>C on transcript NM_007294.4 (MANE Select); coding-DNA position 5380, G replaced by C.
Protein change: p.Glu1794Gln; replaces glutamic acid 1794 with glutamine.
Molecular consequence: missense variant. On other transcripts: non-coding transcript variant (1), intron variant (1).
Genome position (GRCh38, 1-based): chr17:43,049,147, C>G on the plus strand (G>C on the coding strand, the complement: BRCA1 is on the minus strand). VCF-style: chr17-43049147-C-G. GRCh37 (hg19) VCF-style: chr17-41201164-C-G.
Other names: c.5302G>C, p.Glu1768Gln (NM_001407655.1, NM_001407652.1, NM_001407653.1 and 1 more transcripts); c.5299G>C, p.Glu1767Gln (NM_001407656.1, NM_001407657.1, NM_001407658.1); c.5257G>C, p.Glu1753Gln (NM_001407667.1, NM_001407668.1, NM_001407669.1 and 3 more transcripts); c.5254G>C, p.Glu1752Gln (NM_001407670.1, NM_001407671.1, NM_001407672.1 and 8 more transcripts); c.5251G>C, p.Glu1751Gln (NM_001407687.1, NM_001407688.1, NM_001407689.1 and 5 more transcripts); c.5248G>C, p.Glu1750Gln (NM_001407690.1, NM_001407691.1); c.5239G>C, p.Glu1747Gln (NM_001407692.1, NM_001407694.1, NM_001407695.1 and 12 more transcripts); c.5236G>C, p.Glu1746Gln (NM_001407732.1, NM_001407733.1, NM_001407734.1 and 18 more transcripts); and 73 more; short protein forms E1747Q, E1815Q, E690Q, E1794Q, E1724Q, E1727Q, E1750Q, E1751Q.
Identifiers: ClinVar variation 865678 (VCV000865678.3), dbSNP rs776323117, ClinGen allele CA10590713.